The following is an entry in ClinVar:

ClinVar aggregate classification (germline): Uncertain significance. Review status: criteria provided, multiple submitters, no conflicts (2 of 4 stars). 2 submissions from 2 submitters: Uncertain significance (2). Last evaluated 2024-11-07.

Conditions:
Arrhythmogenic right ventricular dysplasia 13. Also called: Arrhythmogenic right ventricular dysplasia, familial, 13; ARRHYTHMOGENIC RIGHT VENTRICULAR CARDIOMYOPATHY 13. Identifiers: MedGen C3810138, MONDO:0000908, OMIM 615616.

Allele frequency attached by ClinVar (database versions not stated): ExAC 0.00002; gnomAD exomes 0.00002 and 0.00004; TOPMed 0.00004; gnomAD 0.00010.
gnomAD v4.1: 25 of 1,613,964 alleles (0.0015%); highest among the groups gnomAD compares: Admixed American, 0.042%; no homozygotes.

Submissions (2):

Ambry Genetics
Classification: Uncertain significance. Last evaluated: 2024-11-07. Review status: criteria provided, single submitter. Criteria: Ambry Variant Classification Scheme 2023. Collection method: clinical testing. Allele origin: germline.

Labcorp Genetics (formerly Invitae), Labcorp
Classification: Uncertain significance for Arrhythmogenic right ventricular dysplasia 13. Last evaluated: 2024-05-21. Review status: criteria provided, single submitter. Criteria: Invitae Variant Classification Sherloc (09022015). Collection method: clinical testing. Allele origin: germline.
Comment: This sequence change replaces alanine, which is neutral and non-polar, with threonine, which is neutral and polar, at codon 828 of the CTNNA3 protein (p.Ala828Thr). This variant is present in population databases (rs753950562, gnomAD 0.03%). This variant has not been reported in the literature in individuals affected with CTNNA3-related conditions. ClinVar contains an entry for this variant (Variation ID: 860160). Advanced modeling of protein sequence and biophysical properties (such as structural, functional, and spatial information, amino acid conservation, physicochemical variation, residue mobility, and thermodynamic stability) performed at Invitae indicates that this missense variant is expected to disrupt CTNNA3 protein function with a positive predictive value of 80%. In summary, the available evidence is currently insufficient to determine the role of this variant in disease. Therefore, it has been classified as a Variant of Uncertain Significance.

NM_013266.4(CTNNA3):c.2482G>A (p.Ala828Thr)

Gene: CTNNA3 (catenin alpha 3; minus strand). Cytogenetic location: 10q21.3.
Variant type: single nucleotide variant.
Coding change: c.2482G>A on transcript NM_013266.4 (MANE Select); coding-DNA position 2482, G replaced by A.
Protein change: p.Ala828Thr; replaces alanine 828 with threonine.
Molecular consequence: missense variant.
Genome position (GRCh38, 1-based): chr10:65,920,536, C>T on the plus strand (G>A on the coding strand, the complement: CTNNA3 is on the minus strand). VCF-style: chr10-65920536-C-T. GRCh37 (hg19) VCF-style: chr10-67680294-C-T.
Other names: c.2482G>A, p.Ala828Thr (NM_001127384.3); c.2482G>A (NM_013266.2); short protein forms A828T.
Identifiers: ClinVar variation 860160 (VCV000860160.7), dbSNP rs753950562, ClinGen allele CA5519571.